The following is an entry in ClinVar:

ClinVar aggregate classification (germline): Conflicting classifications of pathogenicity. Review status: criteria provided, conflicting classifications (1 of 4 stars). 4 submissions from 4 submitters: Likely pathogenic (1); Uncertain significance (2). 1 of the submissions does not count toward it. Last evaluated 2025-11-25.

Conditions:
Retinitis pigmentosa 95. Identifiers: MedGen C5774244, MONDO:0859308, OMIM 620102.

Allele frequency attached by ClinVar (database versions not stated): gnomAD 0.00001; ExAC 0.00004; gnomAD exomes 0.00004; 1000 Genomes Project 30x 0.00016; 1000 Genomes Project 0.00020.

Submissions (4):

Labcorp Genetics (formerly Invitae), Labcorp
Classification: Likely pathogenic. Last evaluated: 2025-11-25. Review status: criteria provided, single submitter. Criteria: Invitae Variant Classification Sherloc (09022015). Collection method: clinical testing. Allele origin: germline.
Comment: This sequence change replaces arginine, which is basic and polar, with cysteine, which is neutral and slightly polar, at codon 31 of the RAX2 protein (p.Arg31Cys). This variant is present in population databases (rs200153795, gnomAD 0.02%). This missense change has been observed in individuals with clinical features of autosomal recessive retinitis pigmentosa (internal data). ClinVar contains an entry for this variant (Variation ID: 195393). An algorithm developed to predict the effect of missense changes on protein structure and function (PolyPhen-2) suggests that this variant is likely to be disruptive. In summary, the currently available evidence indicates that the variant is pathogenic, but additional data are needed to prove that conclusively. Therefore, this variant has been classified as Likely Pathogenic.

Blueprint Genetics
Classification: Uncertain significance. Last evaluated: 2024-04-12. Review status: criteria provided, single submitter. Criteria: ACMG Guidelines, 2015. Collection method: clinical testing. Allele origin: germline.

Eurofins Ntd Llc (ga)
Classification: Uncertain significance. Last evaluated: 2014-05-07. Review status: criteria provided, single submitter. Criteria: EGL Classification Definitions 2015. Collection method: clinical testing. Allele origin: germline. Observed: 1 variant allele, 1 heterozygote.

Diagnostics Centre, Carl Von Ossietzky University Oldenburg
Classification: Likely pathogenic for Retinitis pigmentosa 95. Last evaluated: 2025-01-29. Review status: no assertion criteria provided. Collection method: clinical testing. Allele origin: germline. Affected: yes. Observed: 1 variant allele. Not counted in ClinVar's aggregate classification.
Comment: The variant RAX2:c.91C>T p.(Arg31Cys which is located in the coding exon 2 of the RAX2 gene, results from a cytosine to thymine substitution at nucleotide position c.91. The arginine at protein position 31 is replaced by a cysteine residue. The affected position is located in the functionally essential homeodomain of the protein. In silico tools predict a severe deleterious effect in the protein structure/function (REVEL = 0,96). The disease associated with this gene is highly consistent with the patient's reported symptoms (including concentric visual field defects, damage to the photoreceptor layer, starting at the outer macula). The variant has been detected in homozygous state. The variant has been classified as variant of uncertain significance as well as likely pathogenic on two entries in ClinVar (Clinvar ID: 195393). This variant is classified as rare in the overall population (MAF 1.7 * e-5 in gnomAD). In summary, this variant is classified as Likely pathogenic.

NM_001319074.4(RAX2):c.91C>T (p.Arg31Cys)

Gene: RAX2 (retina and anterior neural fold homeobox 2; minus strand). Cytogenetic location: 19p13.3.
Variant type: single nucleotide variant.
Coding change: c.91C>T on transcript NM_001319074.4 (MANE Select); coding-DNA position 91, C replaced by T.
Protein change: p.Arg31Cys; replaces arginine 31 with cysteine.
Molecular consequence: missense variant.
Genome position (GRCh38, 1-based): chr19:3,771,652, G>A on the plus strand (C>T on the coding strand, the complement: RAX2 is on the minus strand). VCF-style: chr19-3771652-G-A. GRCh37 (hg19) VCF-style: chr19-3771650-G-A.
Other names: c.91C>T, p.Arg31Cys (NM_032753.4); short protein forms R31C.
Identifiers: ClinVar variation 195393 (VCV000195393.13), dbSNP rs200153795, ClinGen allele CA241814.